The following is an entry in ClinVar:

NM_006364.4(SEC23A):c.1009C>T (p.Arg337Ter)

Gene: SEC23A (SEC23 homolog A, COPII component; minus strand). Cytogenetic location: 14q21.1.
Variant type: single nucleotide variant.
Coding change: c.1009C>T on transcript NM_006364.4 (MANE Select); coding-DNA position 1009, C replaced by T.
Protein change: p.Arg337Ter; replaces arginine 337 with a stop codon.
Molecular consequence: nonsense.
Genome position (GRCh38, 1-based): chr14:39,074,509, G>A on the plus strand (C>T on the coding strand, the complement: SEC23A is on the minus strand). VCF-style: chr14-39074509-G-A. GRCh37 (hg19) VCF-style: chr14-39543713-G-A.
Other names: short protein forms R337*.
Identifiers: ClinVar variation 3628058 (VCV003628058.2).

ClinVar aggregate classification (germline): Uncertain significance (1 of 4 stars; one submission).

Conditions:
Craniolenticulosutural dysplasia (CLSD). Also called: BOYADJIEV-JABS SYNDROME. Identifiers: Orphanet 50814, MedGen C1843042, MONDO:0011911, OMIM 607812.

gnomAD v4.1: 1 of 1,610,594 alleles (0.000062%); highest among the groups gnomAD compares: Admixed American, 0.0017%; no homozygotes.

Submission:

Labcorp Genetics (formerly Invitae), Labcorp
Classification: Uncertain significance for Craniolenticulosutural dysplasia. Last evaluated: 2024-06-08. Review status: criteria provided, single submitter. Criteria: Invitae Variant Classification Sherloc (09022015). Collection method: clinical testing. Allele origin: germline.
Comment: This sequence change creates a premature translational stop signal (p.Arg337*) in the SEC23A gene. It is expected to result in an absent or disrupted protein product. However, the current clinical and genetic evidence is not sufficient to establish whether loss-of-function variants in SEC23A cause disease. This variant is not present in population databases (gnomAD no frequency). This variant has not been reported in the literature in individuals affected with SEC23A-related conditions. Algorithms developed to predict the effect of sequence changes on RNA splicing suggest that this variant may disrupt the consensus splice site. In summary, the available evidence is currently insufficient to determine the role of this variant in disease. Therefore, it has been classified as a Variant of Uncertain Significance.